The following is an entry in ClinVar:

ClinVar aggregate classification (germline): Uncertain significance. Review status: criteria provided, multiple submitters, no conflicts (2 of 4 stars). 2 submissions from 2 submitters: Uncertain significance (2). Last evaluated 2025-08-14.

Conditions:
Inborn genetic diseases. Identifiers: MedGen C0950123, MeSH D030342.

Allele frequency attached by ClinVar (database versions not stated): TOPMed below 0.00001.

Submissions (2):

Ambry Genetics
Classification: Uncertain significance for Inborn genetic diseases. Last evaluated: 2025-08-14. Review status: criteria provided, single submitter. Criteria: Ambry Variant Classification Scheme 2023. Collection method: clinical testing. Allele origin: germline.
Comment: The p.L601M variant (also known as c.1801C>A), located in coding exon 8 of the MECOM gene, results from a C to A substitution at nucleotide position 1801. The leucine at codon 601 is replaced by methionine, an amino acid with highly similar properties. This amino acid position is conserved. In addition, this alteration is predicted to be tolerated by in silico analysis. Based on the available evidence, the clinical significance of this variant remains unclear.

Genetic Services Laboratory, University of Chicago
Classification: Uncertain significance. Last evaluated: 2021-04-06. Review status: criteria provided, single submitter. Criteria: ACMG Guidelines, 2015. Collection method: clinical testing. Allele origin: germline. Affected: no.
Comment: DNA sequence analysis of the MECOM gene demonstrated a sequence change, c.1237C>A, in exon 7 that results in an amino acid change, p.Leu413Met. This sequence change is absent from known population databases (gnomAD). The p.Leu413Met change affects a moderately conserved amino acid residue located in a domain of the MECOM protein that is not known to be functional. In-silico pathogenicity prediction tools (SIFT, PolyPhen2, Align GVGD, REVEL) provide contradictory results for the p.Leu413Met substitution. This sequence change does not appear to have been previously described in patients with MECOM-related disorders. Due to the lack sufficient evidences, the clinical significance of the p.Leu413Met change remains unknown at this time.

NM_004991.4(MECOM):c.1801C>A (p.Leu601Met)

Gene: MECOM (MDS1 and EVI1 complex locus; minus strand). Cytogenetic location: 3q26.2.
Variant type: single nucleotide variant.
Coding change: c.1801C>A on transcript NM_004991.4 (MANE Select); coding-DNA position 1801, C replaced by A.
Protein change: p.Leu601Met; replaces leucine 601 with methionine.
Molecular consequence: missense variant. On other transcripts: intron variant (2).
Genome position (GRCh38, 1-based): chr3:169,116,071, G>T on the plus strand (C>A on the coding strand, the complement: MECOM is on the minus strand). VCF-style: chr3-169116071-G-T. GRCh37 (hg19) VCF-style: chr3-168833859-G-T.
Other names: c.1432C>A, p.Leu478Met (NM_001105077.4); c.1237C>A, p.Leu413Met (NM_001105078.4, NM_001164000.2, NM_001205194.2 and 4 more transcripts); c.1240C>A, p.Leu414Met (NM_001163999.2, NM_001366467.2, NM_001366468.2 and 1 more transcripts); c.1801C>A, p.Leu601Met (NM_001366466.2); c.1133-304C>A (NM_001366473.2); c.569-304C>A (NM_001366474.2); c.1801C>A (NM_004991.3); short protein forms L413M, L414M, L478M, L601M.
Identifiers: ClinVar variation 1337888 (VCV001337888.5), dbSNP rs1479986945, ClinGen allele CA355061163.